The following is an entry in ClinVar:

NM_017617.5(NOTCH1):c.3061G>A (p.Asp1021Asn)

Gene: NOTCH1 (notch receptor 1; minus strand). Cytogenetic location: 9q34.3.
Variant type: single nucleotide variant.
Coding change: c.3061G>A on transcript NM_017617.5 (MANE Select); coding-DNA position 3061, G replaced by A.
Protein change: p.Asp1021Asn; replaces aspartic acid 1021 with asparagine.
Molecular consequence: missense variant.
Genome position (GRCh38, 1-based): chr9:136,508,980, C>T on the plus strand (G>A on the coding strand, the complement: NOTCH1 is on the minus strand). VCF-style: chr9-136508980-C-T. GRCh37 (hg19) VCF-style: chr9-139403432-C-T.
Other names: c.3061G>A (NM_017617.4); c.3061G>A, p.Asp1021Asn (LRG_1122t1); short protein forms D1021N.
Identifiers: ClinVar variation 520028 (VCV000520028.13), dbSNP rs760908627, ClinGen allele CA5341064.

ClinVar aggregate classification (germline): Conflicting classifications of pathogenicity. Review status: criteria provided, conflicting classifications (1 of 4 stars). 3 submissions from 3 submitters: Uncertain significance (2); Likely benign (1). Last evaluated 2025-08-22.

Conditions:
Adams-Oliver syndrome 5 (AOS5). Identifiers: Orphanet 974, MedGen C4014970, MONDO:0014459, OMIM 616028.
Familial thoracic aortic aneurysm and aortic dissection (TAAD). Also called: Thoracic aortic aneurysms and dissections. Identifiers: Orphanet 91387, MedGen C4707243, MONDO:0019625.
NOTCH1-related disorder. Also called: NOTCH1-related disorders; NOTCH1-related condition.

Allele frequency attached by ClinVar (database versions not stated): gnomAD 0.00001; gnomAD exomes 0.00002 and 0.00003; TOPMed 0.00004; ExAC 0.00010.
gnomAD v4.1: 39 of 1,557,614 alleles (0.0025%); highest among the groups gnomAD compares: Middle Eastern, 0.019%; no homozygotes.

Submissions (3):

Ambry Genetics
Classification: Uncertain significance for Familial thoracic aortic aneurysm and aortic dissection. Last evaluated: 2025-08-22. Review status: criteria provided, single submitter. Criteria: Ambry Variant Classification Scheme 2023. Collection method: clinical testing. Allele origin: germline.

Labcorp Genetics (formerly Invitae), Labcorp
Classification: Likely benign for Adams-Oliver syndrome 5. Last evaluated: 2025-05-04. Review status: criteria provided, single submitter. Criteria: Invitae Variant Classification Sherloc (09022015). Collection method: clinical testing. Allele origin: germline.

PreventionGenetics, part of Exact Sciences
Classification: Uncertain significance for NOTCH1-related condition. Last evaluated: 2023-09-08. Review status: criteria provided, single submitter. Criteria: ACMG Guidelines, 2015. Collection method: clinical testing. Allele origin: germline.
Comment: The NOTCH1 c.3061G>A variant is predicted to result in the amino acid substitution p.Asp1021Asn. To our knowledge, this variant has not been reported in the literature. This variant is reported in 0.0085% of alleles in individuals of South Asian descent in gnomAD. At this time, the clinical significance of this variant is uncertain due to the absence of conclusive functional and genetic evidence.